The following is an entry in ClinVar:

NM_001868.4(CPA1):c.554C>A (p.Thr185Asn)

Gene: CPA1 (carboxypeptidase A1; plus strand). Cytogenetic location: 7q32.2.
Variant type: single nucleotide variant.
Coding change: c.554C>A on transcript NM_001868.4 (MANE Select); coding-DNA position 554, C replaced by A.
Protein change: p.Thr185Asn; replaces threonine 185 with asparagine.
Molecular consequence: missense variant.
Genome position (GRCh38, 1-based): chr7:130,383,461, C>A. VCF-style: chr7-130383461-C-A. GRCh37 (hg19) VCF-style: chr7-130023302-C-A.
Other names: short protein forms T185N.
Identifiers: ClinVar variation 4233090 (VCV004233090.1).

ClinVar aggregate classification (germline): Uncertain significance (1 of 4 stars; one submission).

Conditions:
Hereditary pancreatitis (PCTT). Also called: Hereditary chronic pancreatitis; PRSS1-Related Hereditary Pancreatitis. Identifiers: Orphanet 676, MedGen C0238339, MONDO:0008185, OMIM 167800.

Submission:

Ambry Genetics
Classification: Uncertain significance for Hereditary pancreatitis. Last evaluated: 2025-07-11. Review status: criteria provided, single submitter. Criteria: Ambry Variant Classification Scheme 2023. Collection method: clinical testing. Allele origin: germline.
Comment: The p.T185N variant (also known as c.554C>A), located in coding exon 5 of the CPA1 gene, results from a C to A substitution at nucleotide position 554. The threonine at codon 185 is replaced by asparagine, an amino acid with similar properties. This amino acid position is conserved. In addition, this alteration is predicted to be tolerated by in silico analysis. Based on the available evidence, the clinical significance of this variant remains unclear.